The following is an entry in ClinVar:

ClinVar aggregate classification (germline): Pathogenic (1 of 4 stars; one submission).

Conditions:
Schaaf-Yang syndrome (SHFYNG). Also called: MAGEL2-related Prader-Willi-like syndrome; Arthrogryposis, distal, with hypopituitarism, intellectual disability, and facial anomalies. Identifiers: Orphanet 398069, MedGen C5575066, MONDO:0014243, OMIM 615547.

Submission:

Institute of Human Genetics, University of Leipzig Medical Center
Classification: Pathogenic for Schaaf-Yang syndrome. Last evaluated: 2026-05-13. Review status: criteria provided, single submitter. Criteria: ACMG Guidelines, 2015. Collection method: clinical testing. Allele origin: unknown. Inheritance: Autosomal recessive inheritance. Affected: yes.
Comment: Criteria applied: PVS1,PM2

NM_019066.5(MAGEL2):c.2389C>T (p.Gln797Ter)

Gene: MAGEL2 (MAGE family member L2; minus strand). Cytogenetic location: 15q11.2.
Variant type: single nucleotide variant.
Coding change: c.2389C>T on transcript NM_019066.5 (MANE Select); coding-DNA position 2389, C replaced by T.
Protein change: p.Gln797Ter; replaces glutamine 797 with a stop codon.
Molecular consequence: nonsense.
Genome position (GRCh38, 1-based): chr15:23,645,354, G>A on the plus strand (C>T on the coding strand, the complement: MAGEL2 is on the minus strand). VCF-style: chr15-23645354-G-A. GRCh37 (hg19) VCF-style: chr15-23890501-G-A.
Other names: short protein forms Q797*.
Identifiers: ClinVar variation 4857453 (VCV004857453.1).